The following is an entry in ClinVar:

NM_001035.3(RYR2):c.4290G>A (p.Val1430=)

Gene: RYR2 (ryanodine receptor 2; plus strand). Cytogenetic location: 1q43.
Variant type: single nucleotide variant.
Coding change: c.4290G>A on transcript NM_001035.3 (MANE Select); coding-DNA position 4290, G replaced by A.
Protein change: p.Val1430=; no amino-acid change (valine 1430 retained).
Molecular consequence: synonymous variant.
Genome position (GRCh38, 1-based): chr1:237,593,490, G>A. VCF-style: chr1-237593490-G-A. GRCh37 (hg19) VCF-style: chr1-237756790-G-A.
Identifiers: ClinVar variation 3069652 (VCV003069652.1), dbSNP rs2546638202, ClinGen allele CA423820117.
Genomic context (GRCh38, chr1:237,593,490, plus strand): 5'-TTGTTTAGTTTTACTTTGCCAATATTTGGTTCTGCTATCTTCACAGTACTATTACTCAGT[G>A]AGAATCTTTCCTGGACAAGAACCTGCTAATGTCTGGGTGGGCTGGATTACATCAGATTTC-3'
Protein context (NP_001026.2, residues 1420-1440): LMQTSTYYYS[Val1430=]RIFPGQEPAN

ClinVar aggregate classification (germline): Uncertain significance (1 of 4 stars; one submission).

Conditions:
Catecholaminergic polymorphic ventricular tachycardia (CVPT). Also called: Catecholamine-induced polymorphic ventricular tachycardia. Identifiers: Orphanet 3286, MedGen C5574922, MONDO:0017990.

Allele frequency attached by ClinVar (database versions not stated): gnomAD exomes below 0.00001.
gnomAD v4.1: 3 of 1,612,960 alleles (0.00019%); highest among the groups gnomAD compares: Non-Finnish European, 0.00025%; no homozygotes.

Submission:

All of Us Research Program, National Institutes of Health
Classification: Uncertain significance for Catecholaminergic polymorphic ventricular tachycardia. Last evaluated: 2023-02-24. Review status: criteria provided, single submitter. Criteria: ACMG Guidelines, 2015. Collection method: clinical testing. Allele origin: germline. Inheritance: Autosomal dominant inheritance. Observed: 1 variant allele, 1 heterozygote.
Comment: This variant is located in the RYR2 protein. To our knowledge, functional studies have not been reported for this variant. This variant has not been reported in individuals affected with RYR2-related disorders in the literature. This variant has not been identified in the general population by the Genome Aggregation Database (gnomAD). The available evidence is insufficient to determine the role of this variant in disease conclusively. Therefore, this variant is classified as a Variant of Uncertain Significance.

This study involves interpretation of variants in research participants for the purpose of population health screening. Participant phenotype was not available at the time of variant classification. Additional details can be found in publication PMID: 35346344, PMCID: PMC8962531